The following is an entry in ClinVar:

ClinVar aggregate classification (germline): Likely benign (0 of 4 stars; one submission).

Conditions:
PLXNA4-related disorder. Also called: PLXNA4-related condition.

Allele frequency attached by ClinVar (database versions not stated): ExAC 0.00005; TOPMed 0.00006; gnomAD 0.00007; gnomAD exomes 0.00017.
gnomAD v4.1: 256 of 1,614,084 alleles (0.016%); highest among the groups gnomAD compares: Non-Finnish European, 0.021%; no homozygotes.

Submission:

PreventionGenetics, part of Exact Sciences
Classification: Likely benign for PLXNA4-related condition. Last evaluated: 2021-12-20. Review status: no assertion criteria provided. Collection method: clinical testing. Allele origin: germline.
Comment: This variant is classified as likely benign based on ACMG/AMP sequence variant interpretation guidelines (Richards et al. 2015 PMID: 25741868, with internal and published modifications).

NM_020911.2(PLXNA4):c.5649A>C (p.Leu1883=)

Gene: PLXNA4 (plexin A4; minus strand). Cytogenetic location: 7q32.3.
Variant type: single nucleotide variant.
Coding change: c.5649A>C on transcript NM_020911.2 (MANE Select); coding-DNA position 5649, A replaced by C.
Protein change: p.Leu1883=; no amino-acid change (leucine 1883 retained).
Molecular consequence: synonymous variant.
Genome position (GRCh38, 1-based): chr7:132,130,515, T>G on the plus strand (A>C on the coding strand, the complement: PLXNA4 is on the minus strand). VCF-style: chr7-132130515-T-G. GRCh37 (hg19) VCF-style: chr7-131815274-T-G.
Other names: c.5649A>C, p.Leu1883= (NM_001393897.1).
Identifiers: ClinVar variation 3031942 (VCV003031942.2), dbSNP rs756821201, ClinGen allele CA4488832.
Genomic context (GRCh38, chr7:132,130,515, plus strand): 5'-AGGGCGGCCCTGGAAGGACGGTTCTCAGCTGTCTAAGCTCATGAGGGTTATGACTTGTTC[T>G]AGTTTGTAGGCCAGTTTCTGCTTCCCACACTGGTCATCGTGGTCCAGAGGTCCAAGGATC-3'
Protein context (NP_065962.1, residues 1873-1893): QCGKQKLAYK[Leu1883=]EQVITLMSLD